The following is an entry in ClinVar:

NM_001393504.1(MAST3):c.2339G>A (p.Arg780Gln)

Gene: MAST3 (microtubule associated serine/threonine kinase 3; plus strand). Cytogenetic location: 19p13.11.
Variant type: single nucleotide variant.
Coding change: c.2339G>A on transcript NM_001393504.1 (MANE Select); coding-DNA position 2339, G replaced by A.
Protein change: p.Arg780Gln; replaces arginine 780 with glutamine.
Molecular consequence: missense variant.
Genome position (GRCh38, 1-based): chr19:18,142,015, G>A. VCF-style: chr19-18142015-G-A. GRCh37 (hg19) VCF-style: chr19-18252825-G-A.
Other names: c.2363G>A, p.Arg788Gln (NM_001393501.1); c.2342G>A, p.Arg781Gln (NM_001393502.1); c.2339G>A, p.Arg780Gln (NM_001393503.1); c.2336G>A, p.Arg779Gln (NM_001393505.1); c.2291G>A, p.Arg764Gln (NM_001393506.1, NM_001393513.1); c.2318G>A, p.Arg773Gln (NM_001393507.1); c.2267G>A, p.Arg756Gln (NM_001393519.1, NM_001393511.1); c.2249G>A, p.Arg750Gln (NM_001393520.1, NM_001393515.1); and 4 more; short protein forms R742Q, R750Q, R751Q, R756Q, R757Q, R758Q, R764Q, R773Q.
Identifiers: ClinVar variation 4821642 (VCV004821642.4).

ClinVar aggregate classification (germline): Likely benign (1 of 4 stars; one submission).

gnomAD v4.1: 26 of 1,486,288 alleles (0.0017%); highest among the groups gnomAD compares: Middle Eastern, 0.018%; no homozygotes.

Submission:

CeGaT Center for Human Genetics Tuebingen
Classification: Likely benign. Last evaluated: 2026-02-01. Review status: criteria provided, single submitter. Criteria: CeGaT Center For Human Genetics Tuebingen Variant Classification Criteria Version 2. Collection method: clinical testing. Allele origin: germline. Affected: yes. Observed: 1 variant allele.
Comment: MAST3: BP4